The following is an entry in ClinVar:

NM_004329.3(BMPR1A):c.176del (p.Phe58_Leu59insTer)

Gene: BMPR1A (bone morphogenetic protein receptor type 1A; plus strand). Cytogenetic location: 10q23.2.
Variant type: Deletion.
Coding change: c.176del on transcript NM_004329.3 (MANE Select); coding-DNA position 176, one base deleted (T; older notation c.176delT).
Protein change: p.Phe58_Leu59insTer.
Molecular consequence: nonsense.
Genome position (GRCh38, 1-based): chr10:86,890,170, T deleted; the last of 6 consecutive T bases (chr10:86,890,165-86,890,170); deleting any one gives the same sequence. VCF-style (leftmost placement, unchanged base first): chr10-86890164-CT-C. GRCh37 (hg19) VCF-style: chr10-88649921-CT-C.
Other names: c.176delT (NM_004329.2).
Identifiers: ClinVar variation 183711 (VCV000183711.15), dbSNP rs786201038, ClinGen allele CA186193.

ClinVar aggregate classification (germline): Pathogenic. Review status: criteria provided, multiple submitters, no conflicts (2 of 4 stars). 2 submissions from 2 submitters: Pathogenic (2). Last evaluated 2025-08-15.

Conditions:
Juvenile polyposis syndrome (JPS). Identifiers: Orphanet 2929, MedGen C0345893, MONDO:0017380, OMIM 174900.
Hereditary cancer-predisposing syndrome. Also called: Tumor predisposition; Hereditary Cancer Syndrome; Hereditary neoplastic syndrome; Neoplastic Syndromes, Hereditary. Identifiers: Orphanet 140162, MedGen C0027672, MeSH D009386, MONDO:0015356.

Submissions (2):

Labcorp Genetics (formerly Invitae), Labcorp
Classification: Pathogenic for Juvenile polyposis syndrome. Last evaluated: 2025-08-15. Review status: criteria provided, single submitter. Criteria: Invitae Variant Classification Sherloc (09022015). Collection method: clinical testing. Allele origin: germline.
Comment: This sequence change creates a premature translational stop signal (p.Leu59*) in the BMPR1A gene. It is expected to result in an absent or disrupted protein product. Loss-of-function variants in BMPR1A are known to be pathogenic (PMID: 11536076, 12417513). This variant is not present in population databases (gnomAD no frequency). This premature translational stop signal has been observed in individual(s) with gastrointestinal juvenile polyposis (PMID: 23399955). ClinVar contains an entry for this variant (Variation ID: 183711). For these reasons, this variant has been classified as Pathogenic.

Ambry Genetics
Classification: Pathogenic for Hereditary cancer-predisposing syndrome. Last evaluated: 2023-02-22. Review status: criteria provided, single submitter. Criteria: Ambry Variant Classification Scheme 2023. Collection method: clinical testing. Allele origin: germline.
Comment: The c.176delT pathogenic mutation, located in coding exon 2 of the BMPR1A gene, results from a deletion of one nucleotide at nucleotide position 176, causing a translational frameshift with a predicted alternate stop codon (p.L59*). In addition to the clinical data presented in the literature, this alteration is expected to result in loss of function by premature protein truncation or nonsense-mediated mRNA decay. As such, this alteration is interpreted as a disease-causing mutation.

Literature cited by the submitters: PubMed 11536076 (cited by Labcorp Genetics (formerly Invitae), Labcorp); PubMed 12417513 (cited by Labcorp Genetics (formerly Invitae), Labcorp); PubMed 23399955 (cited by Labcorp Genetics (formerly Invitae), Labcorp and Ambry Genetics); PubMed 28152038 (cited by Ambry Genetics).